The following is an entry in ClinVar:

NM_001110556.2(FLNA):c.6763G>C (p.Val2255Leu)

Gene: FLNA (filamin A; minus strand). Cytogenetic location: Xq28.
Variant type: single nucleotide variant.
Coding change: c.6763G>C on transcript NM_001110556.2 (MANE Select); coding-DNA position 6763, G replaced by C.
Protein change: p.Val2255Leu; replaces valine 2255 with leucine.
Molecular consequence: missense variant.
Genome position (GRCh38, 1-based): chrX:154,352,187, C>G on the plus strand (G>C on the coding strand, the complement: FLNA is on the minus strand). VCF-style: chrX-154352187-C-G. GRCh37 (hg19) VCF-style: chrX-153580555-C-G.
Other names: c.6739G>C, p.Val2247Leu (NM_001456.4); short protein forms V2247L, V2255L.
Identifiers: ClinVar variation 519876 (VCV000519876.5), dbSNP rs1557175926, ClinGen allele CA415189345.

ClinVar aggregate classification (germline): Uncertain significance (1 of 4 stars; one submission).

Conditions:
Familial thoracic aortic aneurysm and aortic dissection (TAAD). Also called: Thoracic aortic aneurysms and dissections. Identifiers: Orphanet 91387, MedGen C4707243, MONDO:0019625.

Allele frequency attached by ClinVar (database versions not stated): gnomAD 0.00001; gnomAD exomes 0.00002.
gnomAD v4.1: 4 of 1,209,516 alleles (0.00033%); highest among the groups gnomAD compares: East Asian, 0.012%; no homozygotes.

Submission:

Ambry Genetics
Classification: Uncertain significance for Familial thoracic aortic aneurysm and aortic dissection. Last evaluated: 2016-05-18. Review status: criteria provided, single submitter. Criteria: Ambry Variant Classification Scheme 2023. Collection method: clinical testing. Allele origin: germline.
Comment: The p.V2247L variant (also known as c.6739G>C), located in coding exon 39 of the FLNA gene, results from a G to C substitution at nucleotide position 6739. The valine at codon 2247 is replaced by leucine, an amino acid with highly similar properties. This variant was not reported in population based cohorts in the following databases: Database of Single Nucleotide Polymorphisms (dbSNP), NHLBI Exome Sequencing Project (ESP), and 1000 Genomes Project. In the ESP, this variant was not observed in 6217 samples with coverage at this position. This amino acid position is well conserved in available vertebrate species. In addition, this alteration is predicted to be tolerated by in silico analysis. Since supporting evidence is limited at this time, the clinical significance of this variant remains unclear.